The following is an entry in ClinVar:

NM_015102.5(NPHP4):c.579G>A (p.Pro193=)

Gene: NPHP4 (nephrocystin 4; minus strand). Cytogenetic location: 1p36.31.
Variant type: single nucleotide variant.
Coding change: c.579G>A on transcript NM_015102.5 (MANE Select); coding-DNA position 579, G replaced by A.
Protein change: p.Pro193=; no amino-acid change (proline 193 retained).
Molecular consequence: synonymous variant. On other transcripts: 5 prime UTR variant (2), non-coding transcript variant (1).
Genome position (GRCh38, 1-based): chr1:5,961,888, C>T on the plus strand (G>A on the coding strand, the complement: NPHP4 is on the minus strand). VCF-style: chr1-5961888-C-T. GRCh37 (hg19) VCF-style: chr1-6021948-C-T.
Other names: c.-651G>A (NM_001291593.2); c.-788G>A (NM_001291594.2).
Identifiers: ClinVar variation 732283 (VCV000732283.13), dbSNP rs544402763, ClinGen allele CA554799.
Genomic context (GRCh38, chr1:5,961,888, plus strand): 5'-CTGCTGCAGACCAGACACCAGAAGGTTCTCAGGAAGAAGGTGGAACGCAGGCTCCAGGGC[C>T]GGGTGTGGCTTCAGCGTGTACTGCAGGCTGCAGTTCTCAATGAGGGTCATGTGTCTGTTT-3'
Protein context (NP_055917.1, residues 183-203): CSLQYTLKPH[Pro193=]ALEPAFHLLP

ClinVar aggregate classification (germline): Likely benign. Review status: criteria provided, multiple submitters, no conflicts (2 of 4 stars). 3 submissions from 3 submitters: Likely benign (2). 1 of the submissions does not count toward it. Last evaluated 2025-09-06.

Conditions:
Nephronophthisis. Also called: Juvenile Nephronophthisis. Identifiers: Orphanet 655, MedGen C0687120, MONDO:0019005, HP:0000090.
NPHP4-related disorder. Also called: NPHP4-related disorders; NPHP4-related condition. Identifiers: MedGen CN239384.

Allele frequency attached by ClinVar (database versions not stated): gnomAD 0.00001 and 0.00002; gnomAD exomes 0.00001 and 0.00002; TOPMed 0.00001; ExAC 0.00003; 1000 Genomes Project 0.00020; 1000 Genomes Project 30x 0.00031.
gnomAD v4.1: 20 of 1,613,736 alleles (0.0012%); highest among the groups gnomAD compares: East Asian, 0.0089%; no homozygotes.

Submissions (3):

Labcorp Genetics (formerly Invitae), Labcorp
Classification: Likely benign for Nephronophthisis. Last evaluated: 2025-09-06. Review status: criteria provided, single submitter. Criteria: Invitae Variant Classification Sherloc (09022015). Collection method: clinical testing. Allele origin: germline.

Blueprint Genetics
Classification: Likely benign. Last evaluated: 2022-10-17. Review status: criteria provided, single submitter. Criteria: ACMG Guidelines, 2015. Collection method: clinical testing. Allele origin: germline.

PreventionGenetics, part of Exact Sciences
Classification: Likely benign for NPHP4-related condition. Last evaluated: 2019-08-08. Review status: no assertion criteria provided. Collection method: clinical testing. Allele origin: germline. Not counted in ClinVar's aggregate classification.
Comment: This variant is classified as likely benign based on ACMG/AMP sequence variant interpretation guidelines (Richards et al. 2015 PMID: 25741868, with internal and published modifications).